The following is an entry in ClinVar:

NM_000273.3(GPR143):c.308C>G (p.Ser103Trp)

Gene: GPR143 (G protein-coupled receptor 143; minus strand). Cytogenetic location: Xp22.2.
Variant type: single nucleotide variant.
Coding change: c.308C>G on transcript NM_000273.3 (MANE Select); coding-DNA position 308, C replaced by G.
Protein change: p.Ser103Trp; replaces serine 103 with tryptophan.
Molecular consequence: missense variant.
Genome position (GRCh38, 1-based): chrX:9,760,769, G>C on the plus strand (C>G on the coding strand, the complement: GPR143 is on the minus strand). VCF-style: chrX-9760769-G-C. GRCh37 (hg19) VCF-style: chrX-9728809-G-C.
Other names: short protein forms S103W.
Identifiers: ClinVar variation 1464269 (VCV001464269.8), dbSNP rs144226732, ClinGen allele CA411999136.

ClinVar aggregate classification (germline): Uncertain significance (1 of 4 stars; one submission).

Submission:

Labcorp Genetics (formerly Invitae), Labcorp
Classification: Uncertain significance. Last evaluated: 2023-06-15. Review status: criteria provided, single submitter. Criteria: Invitae Variant Classification Sherloc (09022015). Collection method: clinical testing. Allele origin: germline.
Comment: In summary, the available evidence is currently insufficient to determine the role of this variant in disease. Therefore, it has been classified as a Variant of Uncertain Significance. Advanced modeling of protein sequence and biophysical properties (such as structural, functional, and spatial information, amino acid conservation, physicochemical variation, residue mobility, and thermodynamic stability) performed at Invitae indicates that this missense variant is expected to disrupt GPR143 protein function. ClinVar contains an entry for this variant (Variation ID: 1464269). This variant has not been reported in the literature in individuals affected with GPR143-related conditions. This variant is not present in population databases (gnomAD no frequency). This sequence change replaces serine, which is neutral and polar, with tryptophan, which is neutral and slightly polar, at codon 103 of the GPR143 protein (p.Ser103Trp).